The following is an entry in ClinVar:

ClinVar aggregate classification (germline): Pathogenic (1 of 4 stars; one submission).

Submission:

Labcorp Genetics (formerly Invitae), Labcorp
Classification: Pathogenic. Last evaluated: 2024-02-25. Review status: criteria provided, single submitter. Criteria: Invitae Variant Classification Sherloc (09022015). Collection method: clinical testing. Allele origin: germline.
Comment: This sequence change affects an acceptor splice site in intron 7 of the GRHPR gene. It is expected to disrupt RNA splicing. Variants that disrupt the donor or acceptor splice site typically lead to a loss of protein function (PMID: 16199547), and loss-of-function variants in GRHPR are known to be pathogenic (PMID: 25644115). This variant is not present in population databases (gnomAD no frequency). Disruption of this splice site has been observed in individuals with primary hyperoxaluria type 2 (PMID: 11030416, 28553045). Algorithms developed to predict the effect of sequence changes on RNA splicing suggest that this variant may disrupt the consensus splice site. For these reasons, this variant has been classified as Pathogenic.

Literature cited by the submitters: PubMed 16199547; PubMed 25644115; PubMed 11030416; PubMed 28553045.

NM_012203.2(GRHPR):c.735-1G>C

Gene: GRHPR (glyoxylate and hydroxypyruvate reductase; plus strand). Cytogenetic location: 9p13.2.
Variant type: single nucleotide variant.
Coding change: c.735-1G>C on transcript NM_012203.2 (MANE Select); the canonical splice acceptor site of the intron before coding-DNA position 735, G replaced by C.
Molecular consequence: splice acceptor variant.
Genome position (GRCh38, 1-based): chr9:37,432,007, G>C. VCF-style: chr9-37432007-G-C. GRCh37 (hg19) VCF-style: chr9-37432004-G-C.
Identifiers: ClinVar variation 3669938 (VCV003669938.2).